The following is an entry in ClinVar:

ClinVar aggregate classification (germline): Pathogenic (1 of 4 stars; one submission).

Conditions:
Meckel-Gruber syndrome. Also called: GRUBER SYNDROME; DYSENCEPHALIA SPLANCHNOCYSTICA; Dysencephalia splachnocystica. Identifiers: Orphanet 564, MedGen C0265215, MONDO:0018921.
Joubert syndrome. Also called: Familial aplasia of the vermis; JOUBERT-BOLTSHAUSER SYNDROME; CEREBELLOPARENCHYMAL DISORDER IV. Identifiers: Orphanet 475, MedGen C5979921, MONDO:0018772.

Submission:

Labcorp Genetics (formerly Invitae), Labcorp
Classification: Pathogenic for Joubert syndrome; Meckel-Gruber syndrome. Last evaluated: 2025-02-15. Review status: criteria provided, single submitter. Criteria: Invitae Variant Classification Sherloc (09022015). Collection method: clinical testing. Allele origin: germline.
Comment: This sequence change creates a premature translational stop signal (p.Leu388Hisfs*2) in the TCTN1 gene. It is expected to result in an absent or disrupted protein product. Loss-of-function variants in TCTN1 are known to be pathogenic (PMID: 21725307, 22693042, 27894351). This variant is not present in population databases (gnomAD no frequency). This variant has not been reported in the literature in individuals affected with TCTN1-related conditions. For these reasons, this variant has been classified as Pathogenic.

Literature cited by the submitters: PubMed 21725307; PubMed 22693042; PubMed 27894351.

NM_001082538.3(TCTN1):c.1159_1160dup (p.Leu388fs)

Gene: TCTN1 (tectonic family member 1; plus strand). Cytogenetic location: 12q24.11.
Variant type: Duplication.
Coding change: c.1159_1160dup on transcript NM_001082538.3 (MANE Select); coding-DNA positions 1159 to 1160, 2 bases duplicated (CC; older notation c.1159_1160dupCC).
Protein change: p.Leu388fs; shifts the reading frame from leucine 388.
Molecular consequence: frameshift variant.
Genome position (GRCh38, 1-based): chr12:110,641,596-110,641,597, CC duplicated; duplicating any 2 consecutive bases within chr12:110,641,595-110,641,597 gives the same sequence; the c. name uses the placement nearest the transcript's 3' end. VCF-style (leftmost placement, unchanged base first): chr12-110641594-T-TCC. GRCh37 (hg19) VCF-style: chr12-111079399-T-TCC.
Other names: c.979_980dup, p.Leu328fs (NM_001173976.2); c.1159_1160dup, p.Leu388fs (NM_001319680.2, NM_001082537.3); c.625_626dup, p.Leu210fs (NM_001319681.2); c.1117_1118dup, p.Leu374fs (NM_024549.6); c.991_992dup, p.Leu332fs (NM_001173975.3); short protein forms L328fs, L374fs, L210fs, L332fs, L388fs.
Identifiers: ClinVar variation 4784183 (VCV004784183.1).